The following is an entry in ClinVar:

ClinVar aggregate classification (germline): Benign/Likely benign. Review status: criteria provided, multiple submitters, no conflicts (2 of 4 stars). 3 submissions from 3 submitters: Benign (1); Likely benign (2). Last evaluated 2025-03-21.

Conditions:
Juvenile polyposis syndrome (JPS). Identifiers: Orphanet 2929, MedGen C0345893, MONDO:0017380, OMIM 174900.
Juvenile polyposis/hereditary hemorrhagic telangiectasia syndrome (JPHT). Also called: JP/HHT SYNDROME; JUVENILE POLYPOSIS WITH HEREDITARY HEMORRHAGIC TELANGIECTASIA; POLYPOSIS, GENERALIZED JUVENILE, WITH PULMONARY ARTERIOVENOUS MALFORMATION; TELANGIECTASIA, HEREDITARY HEMORRHAGIC, WITH JUVENILE POLYPOSIS COLI; Juvenile Polyposis Syndrome / Hereditary Hemorrhagic Telangiectasia (JPS/HHT). Identifiers: Orphanet 2929, MedGen C1832942, MONDO:0008278, OMIM 175050.
Hereditary cancer-predisposing syndrome. Also called: Hereditary Cancer Syndrome; Neoplastic Syndromes, Hereditary; Hereditary neoplastic syndrome; Tumor predisposition. Identifiers: Orphanet 140162, MedGen C0027672, MeSH D009386, MONDO:0015356.
Familial thoracic aortic aneurysm and aortic dissection (TAAD). Also called: Thoracic aortic aneurysms and dissections. Identifiers: Orphanet 91387, MedGen C4707243, MONDO:0019625.

Allele frequency attached by ClinVar (database versions not stated): gnomAD exomes below 0.00001; ExAC 0.00001; ESP Exome Variant Server 0.00008.

Submissions (3):

Myriad Genetics, Inc.
Classification: Benign for Juvenile polyposis/hereditary hemorrhagic telangiectasia syndrome. Last evaluated: 2025-03-21. Review status: criteria provided, single submitter. Criteria: Myriad Autosomal Dominant, Autosomal Recessive and X-Linked Classification Criteria (2023). Collection method: clinical testing. Allele origin: unknown.
Comment: This variant is considered benign. This variant is a silent/synonymous amino acid change and it is not expected to impact splicing.

Labcorp Genetics (formerly Invitae), Labcorp
Classification: Likely benign for Juvenile polyposis syndrome. Last evaluated: 2022-08-08. Review status: criteria provided, single submitter. Criteria: Invitae Variant Classification Sherloc (09022015). Collection method: clinical testing. Allele origin: germline.

Ambry Genetics
Classification: Likely benign for Hereditary cancer-predisposing syndrome; Familial thoracic aortic aneurysm and aortic dissection. Last evaluated: 2020-05-22. Review status: criteria provided, single submitter. Criteria: Ambry Variant Classification Scheme 2023. Collection method: clinical testing. Allele origin: germline.

NM_005359.6(SMAD4):c.1122A>G (p.Glu374=)

Gene: SMAD4 (SMAD family member 4; plus strand). Cytogenetic location: 18q21.2.
Variant type: single nucleotide variant.
Coding change: c.1122A>G on transcript NM_005359.6 (MANE Select); coding-DNA position 1122, A replaced by G.
Protein change: p.Glu374=; no amino-acid change (glutamic acid 374 retained).
Molecular consequence: synonymous variant.
Genome position (GRCh38, 1-based): chr18:51,065,589, A>G. VCF-style: chr18-51065589-A-G. GRCh37 (hg19) VCF-style: chr18-48591959-A-G.
Identifiers: ClinVar variation 1112726 (VCV001112726.12), dbSNP rs373141146, ClinGen allele CA8965985.